The following is an entry in ClinVar:

NM_006904.7(PRKDC):c.6553A>G (p.Met2185Val)

Gene: PRKDC (protein kinase, DNA-activated, catalytic subunit; minus strand). Cytogenetic location: 8q11.21.
Variant type: single nucleotide variant.
Coding change: c.6553A>G on transcript NM_006904.7 (MANE Select); coding-DNA position 6553, A replaced by G.
Protein change: p.Met2185Val; replaces methionine 2185 with valine.
Molecular consequence: missense variant.
Genome position (GRCh38, 1-based): chr8:47,857,212, T>C on the plus strand (A>G on the coding strand, the complement: PRKDC is on the minus strand). VCF-style: chr8-47857212-T-C. GRCh37 (hg19) VCF-style: chr8-48769773-T-C.
Other names: c.6553A>G, p.Met2185Val (NM_001081640.2); short protein forms M2185V.
Identifiers: ClinVar variation 1041984 (VCV001041984.4), dbSNP rs754219190, ClinGen allele CA4740322.
Genomic context (GRCh38, chr8:47,857,212, plus strand): 5'-TTACTGTTGGAGTGGCCAAGCCTGTCCATGAAAGAATAGTGGCCACTATCTCAACCACCA[T>C]GTAGTGAATTCCTTCTCCTCCATTGTTTTCAGAAGCAGCCAGCTGCAGCAAGGGGCTAAG-3'
Protein context (NP_008835.5, residues 2175-2195): ENNGGEGIHY[Met2185Val]VVEIVATILS

ClinVar aggregate classification (germline): Uncertain significance (1 of 4 stars; one submission).

Conditions:
Severe combined immunodeficiency due to DNA-PKcs deficiency. Also called: IMMUNODEFICIENCY 26 WITH NEUROLOGIC ABNORMALITIES; Immunodeficiency 26 with or without neurologic abnormalities. Identifiers: Orphanet 317425, MedGen C4014833, MONDO:0014423, OMIM 615966.

Allele frequency attached by ClinVar (database versions not stated): gnomAD 0.00002 and 0.00003; gnomAD exomes 0.00002; ExAC 0.00003; TOPMed 0.00003.
gnomAD v4.1: 45 of 1,613,928 alleles (0.0028%); highest among the groups gnomAD compares: Non-Finnish European, 0.0037%; no homozygotes.

Submission:

Labcorp Genetics (formerly Invitae), Labcorp
Classification: Uncertain significance for Severe combined immunodeficiency due to DNA-PKcs deficiency. Last evaluated: 2022-03-31. Review status: criteria provided, single submitter. Criteria: Invitae Variant Classification Sherloc (09022015). Collection method: clinical testing. Allele origin: germline.
Comment: This sequence change replaces methionine, which is neutral and non-polar, with valine, which is neutral and non-polar, at codon 2185 of the PRKDC protein (p.Met2185Val). This variant is present in population databases (rs754219190, gnomAD 0.005%). This variant has not been reported in the literature in individuals affected with PRKDC-related conditions. ClinVar contains an entry for this variant (Variation ID: 1041984). Experimental studies and prediction algorithms are not available or were not evaluated, and the functional significance of this variant is currently unknown. In summary, the available evidence is currently insufficient to determine the role of this variant in disease. Therefore, it has been classified as a Variant of Uncertain Significance.